The following is an entry in ClinVar:

ClinVar aggregate classification (germline): Uncertain significance. Review status: criteria provided, multiple submitters, no conflicts (2 of 4 stars). 2 submissions from 2 submitters: Uncertain significance (2). Last evaluated 2025-12-19.

Conditions:
Long QT syndrome (LQTS). Identifiers: MedGen C0023976, MeSH D008133, MONDO:0002442. Disease mechanism: loss of function. Inheritance: Various modes of inheritance.
Cardiovascular phenotype. Identifiers: MedGen CN230736.

Allele frequency attached by ClinVar (database versions not stated): gnomAD 0.00001; TOPMed 0.00001; ExAC 0.00002; gnomAD exomes 0.00002.
gnomAD v4.1: 89 of 1,614,134 alleles (0.0055%); highest among the groups gnomAD compares: Non-Finnish European, 0.0071%; no homozygotes.

Submissions (2):

Ambry Genetics
Classification: Uncertain significance for Cardiovascular phenotype. Last evaluated: 2025-12-19. Review status: criteria provided, single submitter. Criteria: Ambry Variant Classification Scheme 2023. Collection method: clinical testing. Allele origin: germline.
Comment: The p.Y3284C variant (also known as c.9851A>G), located in coding exon 41 of the AKAP9 gene, results from an A to G substitution at nucleotide position 9851. The tyrosine at codon 3284 is replaced by cysteine, an amino acid with highly dissimilar properties. This amino acid position is poorly conserved in available vertebrate species. In addition, this alteration is predicted to be tolerated by in silico analysis. The evidence for this gene-disease relationship is limited; therefore, the clinical significance of this alteration is unclear.

Labcorp Genetics (formerly Invitae), Labcorp
Classification: Uncertain significance for Long QT syndrome. Last evaluated: 2019-10-23. Review status: criteria provided, single submitter. Criteria: Invitae Variant Classification Sherloc (09022015). Collection method: clinical testing. Allele origin: germline.
Comment: This sequence change replaces tyrosine with cysteine at codon 3284 of the AKAP9 protein (p.Tyr3284Cys). The tyrosine residue is weakly conserved and there is a large physicochemical difference between tyrosine and cysteine. This variant is present in population databases (rs780111217, ExAC 0.003%). This variant has not been reported in the literature in individuals with AKAP9-related conditions. In summary, the available evidence is currently insufficient to determine the role of this variant in disease. Therefore, it has been classified as a Variant of Uncertain Significance. Algorithms developed to predict the effect of missense changes on protein structure and function are either unavailable or do not agree on the potential impact of this missense change (SIFT: "Tolerated"; PolyPhen-2: "Possibly Damaging"; Align-GVGD: "Class C0").

NM_005751.5(AKAP9):c.9851A>G (p.Tyr3284Cys)

Gene: AKAP9 (A-kinase anchoring protein 9; plus strand). Cytogenetic location: 7q21.2.
Variant type: single nucleotide variant.
Coding change: c.9851A>G on transcript NM_005751.5 (MANE Select); coding-DNA position 9851, A replaced by G.
Protein change: p.Tyr3284Cys; replaces tyrosine 3284 with cysteine.
Molecular consequence: missense variant.
Genome position (GRCh38, 1-based): chr7:92,096,810, A>G. VCF-style: chr7-92096810-A-G. GRCh37 (hg19) VCF-style: chr7-91726124-A-G.
Other names: c.4496A>G, p.Tyr1499Cys (NM_001379277.1); c.9827A>G, p.Tyr3276Cys (NM_147185.3); short protein forms Y3276C, Y1499C, Y3284C.
Identifiers: ClinVar variation 972254 (VCV000972254.14), dbSNP rs780111217, ClinGen allele CA4337857.